The following is an entry in ClinVar:

ClinVar aggregate classification (germline): Uncertain significance (1 of 4 stars; one submission).

Allele frequency attached by ClinVar (database versions not stated): gnomAD 0.00001; gnomAD exomes 0.00003; TOPMed 0.00003; ExAC 0.00004.

Submission:

Labcorp Genetics (formerly Invitae), Labcorp
Classification: Uncertain significance. Last evaluated: 2023-02-05. Review status: criteria provided, single submitter. Criteria: Invitae Variant Classification Sherloc (09022015). Collection method: clinical testing. Allele origin: germline.
Comment: This variant, c.946_951dup, results in the insertion of 2 amino acid(s) of the PNLIP protein (p.Cys316_Pro317dup), but otherwise preserves the integrity of the reading frame. This variant is present in population databases (rs762495884, gnomAD 0.04%). This variant has not been reported in the literature in individuals affected with PNLIP-related conditions. In summary, the available evidence is currently insufficient to determine the role of this variant in disease. Therefore, it has been classified as a Variant of Uncertain Significance.

NM_000936.4(PNLIP):c.946_951dup (p.Pro317_Ser318insCysPro)

Gene: PNLIP (pancreatic lipase; plus strand). Cytogenetic location: 10q25.3.
Variant type: Duplication.
Coding change: c.946_951dup on transcript NM_000936.4 (MANE Select); coding-DNA positions 946 to 951, 6 bases duplicated (TGTCCA; older notation c.946_951dupTGTCCA).
Protein change: p.Pro317_Ser318insCysPro.
Molecular consequence: inframe insertion.
Genome position (GRCh38, 1-based): chr10:116,559,169-116,559,174, TGTCCA duplicated. VCF-style (leftmost placement, unchanged base first): chr10-116559168-T-TTGTCCA. GRCh37 (hg19) VCF-style: chr10-118318680-T-TTGTCCA.
Identifiers: ClinVar variation 2896047 (VCV002896047.1), dbSNP rs762495884, ClinGen allele CA5706654.